The following is an entry in ClinVar:

NM_206933.4(USH2A):c.11336del (p.Tyr3779fs)

Gene: USH2A (usherin; minus strand). Cytogenetic location: 1q41.
Variant type: Deletion.
Coding change: c.11336del on transcript NM_206933.4 (MANE Select); coding-DNA position 11336, one base deleted (A; older notation c.11336delA).
Protein change: p.Tyr3779fs; shifts the reading frame from tyrosine 3779.
Molecular consequence: frameshift variant.
Genome position (GRCh38, 1-based): chr1:215,758,648, T deleted on the plus strand (A on the coding strand, the reverse complement: USH2A is on the minus strand). VCF-style (leftmost placement, unchanged base first): chr1-215758647-AT-A. GRCh37 (hg19) VCF-style: chr1-215931989-AT-A.
Other names: short protein forms Y3779fs.
Identifiers: ClinVar variation 865899 (VCV000865899.8), dbSNP rs762070900, ClinGen allele CA1393765.

ClinVar aggregate classification (germline): Pathogenic/Likely pathogenic. Review status: criteria provided, multiple submitters, no conflicts (2 of 4 stars). 3 submissions from 3 submitters: Pathogenic (1); Likely pathogenic (2). Last evaluated 2025-07-30.

Conditions:
USH2A-related disorder. Also called: USH2A-related condition; USH2A-related disorders. Identifiers: MedGen CN239332.
Retinitis pigmentosa 39 (RP39). Identifiers: Orphanet 791, MedGen C3151138, MONDO:0013436, OMIM 613809.

Allele frequency attached by ClinVar (database versions not stated): gnomAD exomes below 0.00001 and 0.00001; ExAC 0.00001.

Submissions (3):

Labcorp Genetics (formerly Invitae), Labcorp
Classification: Pathogenic. Last evaluated: 2025-07-30. Review status: criteria provided, single submitter. Criteria: Invitae Variant Classification Sherloc (09022015). Collection method: clinical testing. Allele origin: germline.
Comment: This sequence change creates a premature translational stop signal (p.Tyr3779Leufs*5) in the USH2A gene. It is expected to result in an absent or disrupted protein product. Loss-of-function variants in USH2A are known to be pathogenic (PMID: 10729113, 10909849, 20507924, 25649381). This variant is present in population databases (rs762070900, gnomAD 0.0009%). This variant has not been reported in the literature in individuals affected with USH2A-related conditions. ClinVar contains an entry for this variant (Variation ID: 865899). Algorithms developed to predict the effect of sequence changes on RNA splicing suggest that this variant may disrupt the consensus splice site. For these reasons, this variant has been classified as Pathogenic.

Genome-Nilou Lab
Classification: Likely pathogenic for Retinitis pigmentosa 39. Last evaluated: 2023-11-04. Review status: criteria provided, single submitter. Criteria: ACMG Guidelines, 2015. Collection method: clinical testing. Allele origin: germline. Affected: no.

Blueprint Genetics
Classification: Likely pathogenic for USH2A-related disorders. Last evaluated: 2019-03-08. Review status: criteria provided, single submitter. Criteria: ACMG Guidelines, 2015. Collection method: clinical testing. Allele origin: germline. Affected: yes. Observed: 1 variant allele.

Literature cited by the submitters: PubMed 10729113 (cited by Labcorp Genetics (formerly Invitae), Labcorp); PubMed 10909849 (cited by Labcorp Genetics (formerly Invitae), Labcorp); PubMed 20507924 (cited by Labcorp Genetics (formerly Invitae), Labcorp); PubMed 25649381 (cited by Labcorp Genetics (formerly Invitae), Labcorp).